The following is an entry in ClinVar:

NM_005918.4(MDH2):c.172A>G (p.Ile58Val)

Gene: MDH2 (malate dehydrogenase 2; plus strand). Cytogenetic location: 7q11.23.
Variant type: single nucleotide variant.
Coding change: c.172A>G on transcript NM_005918.4 (MANE Select); coding-DNA position 172, A replaced by G.
Protein change: p.Ile58Val; replaces isoleucine 58 with valine.
Molecular consequence: missense variant. On other transcripts: intron variant (1).
Genome position (GRCh38, 1-based): chr7:76,054,935, A>G. VCF-style: chr7-76054935-A-G. GRCh37 (hg19) VCF-style: chr7-75684253-A-G.
Other names: c.172A>G, p.Ile58Val (NM_001282403.2); c.-86-2475A>G (NM_001282404.2); short protein forms I58V.
Identifiers: ClinVar variation 1778933 (VCV001778933.5), dbSNP rs2535852831, ClinGen allele CA367762543.

ClinVar aggregate classification (germline): Uncertain significance. Review status: criteria provided, multiple submitters, no conflicts (2 of 4 stars). 2 submissions from 2 submitters: Uncertain significance (2). Last evaluated 2025-12-11.

Conditions:
Inborn genetic diseases. Identifiers: MedGen C0950123, MeSH D030342.

Allele frequency attached by ClinVar (database versions not stated): gnomAD exomes below 0.00001.
gnomAD v4.1: 4 of 1,614,028 alleles (0.00025%); highest among the groups gnomAD compares: Non-Finnish European, 0.00025%; no homozygotes.

Submissions (2):

Ambry Genetics
Classification: Uncertain significance for Inborn genetic diseases. Last evaluated: 2025-12-11. Review status: criteria provided, single submitter. Criteria: Ambry Variant Classification Scheme 2023. Collection method: clinical testing. Allele origin: germline.

Labcorp Genetics (formerly Invitae), Labcorp
Classification: Uncertain significance. Last evaluated: 2024-10-07. Review status: criteria provided, single submitter. Criteria: Invitae Variant Classification Sherloc (09022015). Collection method: clinical testing. Allele origin: germline.
Comment: This sequence change replaces isoleucine, which is neutral and non-polar, with valine, which is neutral and non-polar, at codon 58 of the MDH2 protein (p.Ile58Val). This variant is not present in population databases (gnomAD no frequency). This variant has not been reported in the literature in individuals affected with MDH2-related conditions. ClinVar contains an entry for this variant (Variation ID: 1778933). Invitae Evidence Modeling of protein sequence and biophysical properties (such as structural, functional, and spatial information, amino acid conservation, physicochemical variation, residue mobility, and thermodynamic stability) indicates that this missense variant is not expected to disrupt MDH2 protein function with a negative predictive value of 80%. In summary, the available evidence is currently insufficient to determine the role of this variant in disease. Therefore, it has been classified as a Variant of Uncertain Significance.